The following is an entry in ClinVar:

NM_001083961.2(WDR62):c.669del (p.Trp224fs)

Gene: WDR62 (WD repeat domain 62; plus strand). Cytogenetic location: 19q13.12.
Variant type: Deletion.
Coding change: c.669del on transcript NM_001083961.2 (MANE Select); coding-DNA position 669, one base deleted (C; older notation c.669delC).
Protein change: p.Trp224fs; shifts the reading frame from tryptophan 224.
Molecular consequence: frameshift variant.
Genome position (GRCh38, 1-based): chr19:36,067,413, C deleted. VCF-style (leftmost placement, unchanged base first): chr19-36067412-TC-T. GRCh37 (hg19) VCF-style: chr19-36558314-TC-T.
Other names: c.669del, p.Trp224fs (NM_173636.5); short protein forms W224fs.
Identifiers: ClinVar variation 818086 (VCV000818086.4), dbSNP rs1599760058, ClinGen allele CA915953121.

ClinVar aggregate classification (germline): Pathogenic (1 of 4 stars; one submission).

Conditions:
Microcephaly 2, primary, autosomal recessive, with or without cortical malformations. Also called: MICROCEPHALY 2, PRIMARY, AUTOSOMAL RECESSIVE, WITH CORTICAL MALFORMATIONS; WDR62 Primary Microcephaly. Identifiers: Orphanet 2512, MedGen C1858535, MONDO:0011435, OMIM 604317.

Submission:

Diagnostics Division, CENTRE FOR DNA FINGERPRINTING AND DIAGNOSTICS
Classification: Pathogenic for Microcephaly 2, primary, autosomal recessive, with or without cortical malformations. Last evaluated: 2020-02-24. Review status: criteria provided, single submitter. Criteria: ACMG Guidelines, 2015. Collection method: research. Allele origin: inherited. Inheritance: Autosomal recessive inheritance. Affected: yes. Observed: 2 variant alleles, 2 homozygotes.
Comment: This variant is detected in sibship presented with microcephaly, born to a consanguineous parents. The variant is a frameshift deletion in the exon 6 of the WDR62 gene. Variation in this gene is reported to cause microcephaly.